The following is an entry in ClinVar:

NM_000020.3(ACVRL1):c.663G>A (p.Trp221Ter)

Gene: ACVRL1 (activin A receptor like type 1; plus strand). Cytogenetic location: 12q13.13.
Variant type: single nucleotide variant.
Coding change: c.663G>A on transcript NM_000020.3 (MANE Select); coding-DNA position 663, G replaced by A.
Protein change: p.Trp221Ter; replaces tryptophan 221 with a stop codon.
Molecular consequence: nonsense.
Genome position (GRCh38, 1-based): chr12:51,914,476, G>A. VCF-style: chr12-51914476-G-A. GRCh37 (hg19) VCF-style: chr12-52308260-G-A.
Other names: c.663G>A, p.Trp221Ter (NM_001077401.2); c.663G>A (NM_000020.2); short protein forms W221*.
Identifiers: ClinVar variation 1453216 (VCV001453216.7), dbSNP rs2139070482, ClinGen allele CA384900021.

ClinVar aggregate classification (germline): Pathogenic. Review status: criteria provided, multiple submitters, no conflicts (2 of 4 stars). 2 submissions from 2 submitters: Pathogenic (2). Last evaluated 2023-06-23.

Conditions:
Cardiovascular phenotype. Identifiers: MedGen CN230736.
Telangiectasia, hereditary hemorrhagic, type 2 (HHT2). Also called: ACVRL1-Related Hereditary Hemorrhagic Telangiectasia; Telangiectasia, hereditary hemorrhagic, type II. Identifiers: Orphanet 774, MedGen C1838163, MONDO:0010880, OMIM 600376. Disease mechanism: loss of function.

Submissions (2):

Labcorp Genetics (formerly Invitae), Labcorp
Classification: Pathogenic for Telangiectasia, hereditary hemorrhagic, type 2. Last evaluated: 2023-06-23. Review status: criteria provided, single submitter. Criteria: Invitae Variant Classification Sherloc (09022015). Collection method: clinical testing. Allele origin: germline.
Comment: For these reasons, this variant has been classified as Pathogenic. Algorithms developed to predict the effect of sequence changes on RNA splicing suggest that this variant may create or strengthen a splice site. ClinVar contains an entry for this variant (Variation ID: 1453216). This premature translational stop signal has been observed in individual(s) with hereditary hemorrhagic telangiectasia (PMID: 18673552). This variant is not present in population databases (gnomAD no frequency). This sequence change creates a premature translational stop signal (p.Trp221*) in the ACVRL1 gene. It is expected to result in an absent or disrupted protein product. Loss-of-function variants in ACVRL1 are known to be pathogenic (PMID: 15879500).

Ambry Genetics
Classification: Pathogenic for Cardiovascular phenotype. Last evaluated: 2023-01-06. Review status: criteria provided, single submitter. Criteria: Ambry Variant Classification Scheme 2023. Collection method: clinical testing. Allele origin: germline.
Comment: The p.W221* pathogenic mutation (also known as c.663G>A), located in coding exon 5 of the ACVRL1 gene, results from a G to A substitution at nucleotide position 663. This changes the amino acid from a tryptophan to a stop codon within coding exon 5. This alteration has been reported in hereditary hemorrhagic telangiectasia (HHT) cohorts and a pulmonary arterial hypertension cohort (Fontalba A et al. BMC Med Genet, 2008 Aug;9:75; McDonald J et al. Clin Genet, 2011 Apr;79:335-44; Song J et al. Clin Sci (Lond), 2016 Nov;130:2043-2052). This variant is considered to be rare based on population cohorts in the Genome Aggregation Database (gnomAD). In addition to the clinical data presented in the literature, this alteration is expected to result in loss of function by premature protein truncation or nonsense-mediated mRNA decay. As such, this alteration is interpreted as a disease-causing mutation.

Literature cited by the submitters: PubMed 18673552 (cited by Labcorp Genetics (formerly Invitae), Labcorp and Ambry Genetics); PubMed 15879500 (cited by Labcorp Genetics (formerly Invitae), Labcorp); PubMed 21158752 (cited by Ambry Genetics); PubMed 27613157 (cited by Ambry Genetics).